The following is an entry in ClinVar:

NM_004333.6(BRAF):c.139-16T>C

Gene: BRAF (B-Raf proto-oncogene, serine/threonine kinase; minus strand). Cytogenetic location: 7q34.
Variant type: single nucleotide variant.
Coding change: c.139-16T>C on transcript NM_004333.6 (MANE Select); 16 bases into the intron before coding-DNA position 139, T replaced by C.
Molecular consequence: intron variant.
Genome position (GRCh38, 1-based): chr7:140,850,228, A>G on the plus strand (T>C on the coding strand, the complement: BRAF is on the minus strand). VCF-style: chr7-140850228-A-G. GRCh37 (hg19) VCF-style: chr7-140550028-A-G.
Other names: c.139-16T>C (NM_001378474.1, NM_001378475.1, NM_001378471.1 and 6 more transcripts); c.139-15356T>C (NM_001378470.1); c.-18-16T>C (NM_001378472.1, NM_001378473.1).
Identifiers: ClinVar variation 929035 (VCV000929035.6), dbSNP rs1809013029, ClinGen allele CA1139660292.

ClinVar aggregate classification (germline): Likely benign. Review status: criteria provided, multiple submitters, no conflicts (2 of 4 stars). 2 submissions from 2 submitters: Likely benign (2). Last evaluated 2025-09-07.

Conditions:
RASopathy. Also called: rasopathies; Noonan spectrum disorder. Identifiers: Orphanet 536391, MedGen C5555857, MONDO:0021060.

Allele frequency attached by ClinVar (database versions not stated): gnomAD exomes 0.00001.
gnomAD v4.1: 11 of 1,543,536 alleles (0.00071%); highest among the groups gnomAD compares: Non-Finnish European, 0.00098%; no homozygotes.

Submissions (2):

Labcorp Genetics (formerly Invitae), Labcorp
Classification: Likely benign for RASopathy. Last evaluated: 2025-09-07. Review status: criteria provided, single submitter. Criteria: Invitae Variant Classification Sherloc (09022015). Collection method: clinical testing. Allele origin: germline.

Women's Health and Genetics/Laboratory Corporation of America, LabCorp
Classification: Likely benign. Last evaluated: 2024-12-16. Review status: criteria provided, single submitter. Criteria: LabCorp Variant Classification Summary - May 2015. Collection method: clinical testing. Allele origin: germline.
Comment: Variant summary: BRAF c.139-16T>C alters a non-conserved nucleotide located at a position not widely known to affect splicing. Consensus agreement among computation tools predict no significant impact on normal splicing (TrAP). However, these predictions have yet to be confirmed by functional studies. The variant was absent in 247538 control chromosomes. The available data on variant occurrences in the general population are insufficient to allow any conclusion about variant significance. To our knowledge, no occurrence of c.139-16T>C in individuals affected with Noonan Syndrome And Related Conditions and no experimental evidence demonstrating its impact on protein function have been reported. ClinVar contains an entry for this variant (Variation ID: 929035). Based on the evidence outlined above, the variant was classified as likely benign.